The following is an entry in ClinVar:

ClinVar aggregate classification (germline): Uncertain significance. Review status: reviewed by expert panel (3 of 4 stars). 2 submissions from 2 submitters: Uncertain significance (1). 1 of the submissions does not count toward it. Last evaluated 2025-02-25.

Conditions:
Hereditary thrombocytopenia and hematologic cancer predisposition syndrome. Identifiers: Orphanet 71290, MedGen CN281654, MONDO:0011071.

Submissions (2):

ClinGen Myeloid Malignancy Variant Curation Expert Panel
Classification: Uncertain significance for Hereditary thrombocytopenia and hematologic cancer predisposition syndrome. Last evaluated: 2025-02-25. Review status: reviewed by expert panel. Criteria: ClinGen MyeloMalig ACMG Specifications v2. Collection method: curation. Allele origin: germline. Inheritance: Autosomal dominant inheritance.
Comment: NC_000021.9:g.35049406del is a noncoding variant. This variant is completely absent from all population databases with at least 20x coverage for RUNX1 in gnomAD v2.1.1 and v3.1.2 (PM2_supporting). Evolutionary conservation prediction algorithms predict the site as not being conserved (PhyloP score 1.88 < 2.0 or the variant is the reference nucleotide in one primate and/or three mammal species) (BP7). This variant was reported in ClinVar in 2019 by GeneDX but the affected status of the proband is unknown (Variation ID 1290150). In summary, the clinical significance of this variant is uncertain. ACMG/AMP criteria applied, as specified by the Myeloid Malignancy Variant Curation Expert Panel for RUNX1: PM2_supporting, BP7.

GeneDx
Classification: Benign. Last evaluated: 2019-08-15. Review status: criteria provided, single submitter. Criteria: GeneDx Variant Classification Process June 2021. Collection method: clinical testing. Allele origin: germline. Affected: yes. Not counted in ClinVar's aggregate classification.

NC_000021.9:g.35049406del

Gene: RUNX1 (RUNX family transcription factor 1; minus strand). Cytogenetic location: 21q22.12.
Variant type: Deletion.
Genome position: GRCh38 VCF-style: chr21-35049395-AT-A. GRCh37 (hg19) VCF-style: chr21-36421692-AT-A.
Identifiers: ClinVar variation 1290150 (VCV001290150.4), dbSNP rs57713477, ClinGen allele CA320741302.